The following is an entry in ClinVar:

NM_000944.5(PPP3CA):c.682T>A (p.Cys228Ser)

Gene: PPP3CA (protein phosphatase 3 catalytic subunit alpha; minus strand). Cytogenetic location: 4q24.
Variant type: single nucleotide variant.
Coding change: c.682T>A on transcript NM_000944.5 (MANE Select); coding-DNA position 682, T replaced by A.
Protein change: p.Cys228Ser; replaces cysteine 228 with serine.
Molecular consequence: missense variant.
Genome position (GRCh38, 1-based): chr4:101,093,876, A>T on the plus strand (T>A on the coding strand, the complement: PPP3CA is on the minus strand). VCF-style: chr4-101093876-A-T. GRCh37 (hg19) VCF-style: chr4-102015033-A-T.
Other names: c.682T>A, p.Cys228Ser (NM_001130691.2, NM_001130692.2); short protein forms C228S.
Identifiers: ClinVar variation 2086363 (VCV002086363.4), dbSNP rs1730071614, ClinGen allele CA357949308.

ClinVar aggregate classification (germline): Uncertain significance (1 of 4 stars; one submission).

Submission:

Labcorp Genetics (formerly Invitae), Labcorp
Classification: Uncertain significance. Last evaluated: 2025-02-02. Review status: criteria provided, single submitter. Criteria: Invitae Variant Classification Sherloc (09022015). Collection method: clinical testing. Allele origin: germline.
Comment: This sequence change replaces cysteine, which is neutral and slightly polar, with serine, which is neutral and polar, at codon 228 of the PPP3CA protein (p.Cys228Ser). This variant is not present in population databases (gnomAD no frequency). This variant has not been reported in the literature in individuals affected with PPP3CA-related conditions. ClinVar contains an entry for this variant (Variation ID: 2086363). Invitae Evidence Modeling of protein sequence and biophysical properties (such as structural, functional, and spatial information, amino acid conservation, physicochemical variation, residue mobility, and thermodynamic stability) has been performed for this missense variant. However, the output from this modeling did not meet the statistical confidence thresholds required to predict the impact of this variant on PPP3CA protein function. In summary, the available evidence is currently insufficient to determine the role of this variant in disease. Therefore, it has been classified as a Variant of Uncertain Significance.